The following is an entry in ClinVar:

NM_002769.5(PRSS1):c.599C>A (p.Ser200Tyr)

Genes: PRSS1 (serine protease 1; plus strand), TRB (T cell receptor beta locus; plus strand). Cytogenetic location: 7q34.
Variant type: single nucleotide variant.
Coding change: c.599C>A on transcript NM_002769.5 (MANE Select); coding-DNA position 599, C replaced by A.
Protein change: p.Ser200Tyr; replaces serine 200 with tyrosine.
Molecular consequence: missense variant. On other transcripts: non-coding transcript variant (5).
Genome position (GRCh38, 1-based): chr7:142,752,875, C>A. VCF-style: chr7-142752875-C-A. GRCh37 (hg19) VCF-style: chr7-142460726-C-A.
Other names: short protein forms S200Y.
Identifiers: ClinVar variation 1750931 (VCV001750931.3), dbSNP rs2485768459, ClinGen allele CA369610581.

ClinVar aggregate classification (germline): Uncertain significance (1 of 4 stars; one submission).

Conditions:
Hereditary pancreatitis (PCTT). Also called: Hereditary chronic pancreatitis; PRSS1-Related Hereditary Pancreatitis. Identifiers: Orphanet 676, MedGen C0238339, MONDO:0008185, OMIM 167800.

Submission:

Ambry Genetics
Classification: Uncertain significance for Hereditary pancreatitis. Last evaluated: 2025-05-16. Review status: criteria provided, single submitter. Criteria: Ambry Variant Classification Scheme 2023. Collection method: clinical testing. Allele origin: germline.
Comment: The p.S200Y variant (also known as c.599C>A), located in coding exon 5 of the PRSS1 gene, results from a C to A substitution at nucleotide position 599. The serine at codon 200 is replaced by tyrosine, an amino acid with dissimilar properties. This amino acid position is conserved. In addition, this alteration is predicted to be deleterious by in silico analysis. Since supporting evidence is limited at this time, the clinical significance of this alteration remains unclear.